The following continues an entry in ClinVar:

NM_206926.2(SELENON):c.841G>A (p.Gly281Ser)

Gene: SELENON. ClinVar aggregate classification (germline): Pathogenic/Likely pathogenic. Pathogenic (26); Likely pathogenic (3).

Submissions 25 to 34 of 34:

Laboratory for Molecular Medicine, Mass General Brigham Personalized Medicine
Classification: Pathogenic for Eichsfeld type congenital muscular dystrophy. Last evaluated: 2018-06-13. Review status: criteria provided, single submitter. Criteria: LMM Criteria. Collection method: clinical testing. Allele origin: germline. Inheritance: Autosomal recessive inheritance. Observed: 1 variant allele.
Comment: The p.Gly315Ser variant in SEPN1 has been reported in 8 individuals with a conge nital myopathy, including 6 who were homozygous and 2 compound heterozygous with another pathogenic allele (Ferreiro 2002, Clarke 2006, Maiti 2009, Maggi 2013), and segregated in 5 affected relatives (Ferreiro 2002, Clarke 2006). This varia nt has been identified in 0.04% (50/126676) of European chromosomes by the Genom e Aggregation Database (gnomAD; dbSNP rs121908 188) and in ClinVar (Variation ID: 4496). Although this variant has been seen i n the general population, its frequency is low enough to be consistent with a re cessive carrier frequency. Computational prediction tools and conservation analy sis suggest that this variant may impact the protein, though this information is not predictive enough to determine pathogenicity. Additionally, analysis using fibroblast cells of an affected patient showed an impact on protein activity (Ma iti 2009). In summary, this variant is pathogenic for congenital muscular dystro phy with spinal rigidity in an autosomal recessive manner. ACMG/AMP Criteria app lied: PM3_Strong; PP1_Strong; PP3.

Athena Diagnostics
Classification: Pathogenic. Last evaluated: 2015-07-08. Review status: criteria provided, single submitter. Criteria: Athena Diagnostics Criteria. Collection method: clinical testing. Allele origin: germline.

Eurofins Ntd Llc (ga)
Classification: Pathogenic. Last evaluated: 2014-12-24. Review status: criteria provided, single submitter. Criteria: EGL Classification Definitions. Collection method: clinical testing. Allele origin: germline. Observed: 5 variant alleles, 2 heterozygotes, 3 homozygotes.

Center for Genomics, Ann and Robert H. Lurie Children's Hospital of Chicago
Classification: Likely pathogenic for Congenital myopathy 4A, autosomal dominant; Eichsfeld type congenital muscular dystrophy. Review status: criteria provided, single submitter. Criteria: ACMG Guidelines, 2015. Collection method: clinical testing. Allele origin: germline.
Comment: SELENON NM_020451.2 exon 7 p.Gly315Ser (c.943G>A): (Gene also referred to as SEPN1) This variant has been reported in the literature in the homozygous or compound heterozygous state in several individuals with congenital myopathies, segregating with disease in at least 4 affected family members (Ferreiro 2002 PMID:12192640, Clarke 2006 PMID:16365872, Schara 2008 PMID:17951086, Maggi 2013 PMID:23394784). This variant is present in 0.03% (48/128676) of European alleles in the Genome Aggregation Database. Please note, disease causing variants may be present in control databases at low frequencies, reflective of the general population, carrier status, and/or variable expressivity. This variant is present in ClinVar, with several labs classifying this variant as pathogenic (Variation ID:4496). Evolutionary conservation and computational predictive tools support that this variant may impact the protein. In summary, data on this variant is highly suspicious for disease, but requires further evidence for pathogenicity. Therefore, this variant is classified as likely pathogenic.

Juno Genomics, Hangzhou Juno Genomics, Inc
Classification: Pathogenic for Eichsfeld type congenital muscular dystrophy. Review status: criteria provided, single submitter. Criteria: ACMG Guidelines, 2015. Collection method: clinical testing. Allele origin: germline.
Comment: Absent from controls (or at extremely low frequency if recessive) in Genome Aggregation Database.;Multiple lines of computational evidence support a deleterious effect on the gene or gene product.;For recessive disorders, detected in trans with a pathogenic variant.

Division of Human Genetics, Children's Hospital of Philadelphia
Classification: Pathogenic for Myopathy, congenital, with fiber-type disproportion. Last evaluated: 2015-03-04. Review status: no assertion criteria provided. Collection method: research. Allele origin: germline. Affected: no. Study: CSER-PediSeq. Not counted in ClinVar's aggregate classification.
Comment: The SEPN1 variant (c. 943G>A) was identified in several patients in the literature and a disease-specific database (Ferreiro et al. 2002, PMID: 12192640; Venance et al. 2005, PMID: 15668457; Clarke et al. 2006, PMID: 16365872; Schara et al. 2008, PMID: 17951086; Maggi et al. 2013, PMID: 23394784). Protein levels tested from fibroblast cells of an affected patient showed reduced activity of the protein (Maiti et al. 2009, PMID: 19067361).

Division of Human Genetics, Children's Hospital of Philadelphia
Classification: Pathogenic for Muscular dystrophy, rigid spine, 1. Last evaluated: 2015-03-04. Review status: no assertion criteria provided. Collection method: research. Allele origin: germline. Affected: no. Study: CSER-PediSeq. Not counted in ClinVar's aggregate classification.
Comment: the same text as in the submission from Division of Human Genetics, Children's Hospital of Philadelphia above.

OMIM
Classification: Pathogenic for CONGENITAL MYOPATHY 3 WITH RIGID SPINE. Last evaluated: 2006-03-01. Review status: no assertion criteria provided. Collection method: literature only. Allele origin: germline. Not counted in ClinVar's aggregate classification.

Dr. Peter K. Rogan Lab, Western University
No classification provided (evidence only). Condition: Malignant tumor of esophagus. Review status: no classification provided. Collection method: in vitro. Allele origin: not applicable. Functional consequence: retained intron. Not counted in ClinVar's aggregate classification.

GeneReviews
No classification provided. Condition: Congenital myopathy with fiber type disproportion. Review status: no classification provided. Collection method: literature only. Allele origin: unknown. Not counted in ClinVar's aggregate classification.

Literature cited by the submitters: PubMed 12192640 (cited by 13 submitters); PubMed 16365872 (cited by 10 submitters); PubMed 17951086 (cited by 7 submitters); PubMed 23394784 (cited by 9 submitters); PubMed 33037864 (cited by Variantyx, Inc.); PubMed 37807786 (cited by Variantyx, Inc.); PubMed 19067361 (cited by 6 submitters); PubMed 30932294 (cited by 3 submitters); PubMed 31321302 (cited by 3 submitters); PubMed 17204937 (cited by Women's Health and Genetics/Laboratory Corporation of America, LabCorp); PubMed 15122708 (cited by Women's Health and Genetics/Laboratory Corporation of America, LabCorp); PubMed 32796131 (cited by Pittsburgh Clinical Genomics Laboratory, University of Pittsburgh Medical Center and OMIM); PubMed 34867752 (cited by Pittsburgh Clinical Genomics Laboratory, University of Pittsburgh Medical Center); PubMed 31127727 (cited by AiLife Diagnostics); PubMed 15668457 (cited by 4 submitters); PubMed 20301436 (cited by GeneReviews); NCBI Bookshelf NBK1259 (cited by GeneReviews).